The following is an entry in ClinVar:

NM_020191.4(MRPS22):c.232A>C (p.Ile78Leu)

Gene: MRPS22 (mitochondrial ribosomal protein S22; plus strand). Cytogenetic location: 3q23.
Variant type: single nucleotide variant.
Coding change: c.232A>C on transcript NM_020191.4 (MANE Select); coding-DNA position 232, A replaced by C.
Protein change: p.Ile78Leu; replaces isoleucine 78 with leucine.
Molecular consequence: missense variant.
Genome position (GRCh38, 1-based): chr3:139,346,937, A>C. VCF-style: chr3-139346937-A-C. GRCh37 (hg19) VCF-style: chr3-139065779-A-C.
Other names: c.109A>C, p.Ile37Leu (NM_001363857.1); c.229A>C, p.Ile77Leu (NM_001363893.1); short protein forms I37L, I77L, I78L.
Identifiers: ClinVar variation 1713628 (VCV001713628.5), dbSNP rs200542439, ClinGen allele CA2640666.

ClinVar aggregate classification (germline): Uncertain significance (1 of 4 stars; one submission).

gnomAD v4.1: 6 of 1,614,226 alleles (0.00037%); highest among the groups gnomAD compares: Non-Finnish European, 0.00051%; no homozygotes.

Submission:

Labcorp Genetics (formerly Invitae), Labcorp
Classification: Uncertain significance. Last evaluated: 2022-07-23. Review status: criteria provided, single submitter. Criteria: Invitae Variant Classification Sherloc (09022015). Collection method: clinical testing. Allele origin: germline.
Comment: In summary, the available evidence is currently insufficient to determine the role of this variant in disease. Therefore, it has been classified as a Variant of Uncertain Significance. This sequence change replaces isoleucine, which is neutral and non-polar, with leucine, which is neutral and non-polar, at codon 78 of the MRPS22 protein (p.Ile78Leu). This variant is present in population databases (rs200542439, gnomAD 0.002%). This variant has not been reported in the literature in individuals affected with MRPS22-related conditions. Algorithms developed to predict the effect of missense changes on protein structure and function output the following: SIFT: "Tolerated"; PolyPhen-2: "Benign"; Align-GVGD: "Class C0". The leucine amino acid residue is found in multiple mammalian species, which suggests that this missense change does not adversely affect protein function.